The following is an entry in ClinVar:

ClinVar aggregate classification (germline): Uncertain significance. Review status: reviewed by expert panel (3 of 4 stars). 2 submissions from 2 submitters: Uncertain significance (1). 1 of the submissions does not count toward it. Last evaluated 2024-06-13.

Conditions:
Severe combined immunodeficiency due to DCLRE1C deficiency (RS-SCID). Also called: SCID, AUTOSOMAL RECESSIVE, T CELL-NEGATIVE, B CELL-NEGATIVE, NK CELL-POSITIVE, WITH SENSITIVITY TO IONIZING RADIATION. Identifiers: Orphanet 275, MedGen C1865371, MONDO:0011225, OMIM 602450.

Allele frequency attached by ClinVar (database versions not stated): gnomAD exomes below 0.00001.
gnomAD v4.1: 1 of 1,613,978 alleles (0.000062%); highest among the groups gnomAD compares: East Asian, 0.0022%; no homozygotes.

Submissions (2):

ClinGen Severe Combined Immunodeficiency Variant Curation Expert Panel, ClinGen
Classification: Uncertain significance for Severe combined immunodeficiency due to DCLRE1C deficiency. Last evaluated: 2024-06-13. Review status: reviewed by expert panel. Criteria: ClinGen SCID ACMG Specifications DCLRE1C V1.0.0. Collection method: curation. Allele origin: germline. Inheritance: Autosomal recessive inheritance.
Comment: The c.490T>G (NM_001033855.3) variant in DCLRE1C is a missense variant predicted to cause the substitution of Leucine by Valine at amino acid 164 (p.Leu164Val). The highest population minor allele frequency in gnomAD v4 is 0.00002519 (1/39698 alleles) in the East Asian population, which is lower than the ClinGen SCID VCEP threshold (<0.00003266) for PM2_Supporting, meeting this criterion (PM2_Supporting). No homozygotes have been observed in gnomAD. To our knowledge, this variant has not been reported in the literature in individuals affected with SCID/DCLRE1C-related conditions or in functional studies. In summary, this variant meets the criteria to be classified as a variant of uncertain significance for autosomal recessive severe combined immunodeficiency due to DCLRE1C deficiency based on the ACMG/AMP criteria applied, as specified by the ClinGen SCID VCEP: PM2_Supporting (VCEP specifications version 1).

Labcorp Genetics (formerly Invitae), Labcorp
Classification: Uncertain significance for Athabaskan severe combined immunodeficiency. Last evaluated: 2018-07-09. Review status: criteria provided, single submitter. Criteria: Invitae Variant Classification Sherloc (09022015). Collection method: clinical testing. Allele origin: germline. Not counted in ClinVar's aggregate classification.
Comment: This sequence change replaces leucine with valine at codon 164 of the DCLRE1C protein (p.Leu164Val). The leucine residue is moderately conserved and there is a small physicochemical difference between leucine and valine. This variant is not present in population databases (ExAC no frequency). This variant has not been reported in the literature in individuals with DCLRE1C-related disease. Algorithms developed to predict the effect of missense changes on protein structure and function are either unavailable or do not agree on the potential impact of this missense change (SIFT: "Tolerated"; PolyPhen-2: "Possibly Damaging"; Align-GVGD: "Class C0"). In summary, the available evidence is currently insufficient to determine the role of this variant in disease. Therefore, it has been classified as a Variant of Uncertain Significance.

NM_001033855.3(DCLRE1C):c.490T>G (p.Leu164Val)

Gene: DCLRE1C (DNA cross-link repair 1C; minus strand). Cytogenetic location: 10p13.
Variant type: single nucleotide variant.
Coding change: c.490T>G on transcript NM_001033855.3 (MANE Select); coding-DNA position 490, T replaced by G.
Protein change: p.Leu164Val; replaces leucine 164 with valine.
Molecular consequence: missense variant. On other transcripts: non-coding transcript variant (4).
Genome position (GRCh38, 1-based): chr10:14,934,750, A>C on the plus strand (T>G on the coding strand, the complement: DCLRE1C is on the minus strand). VCF-style: chr10-14934750-A-C. GRCh37 (hg19) VCF-style: chr10-14976749-A-C.
Other names: NM_001033855.3(DCLRE1C):c.490T>G; p.Leu164Val; c.130T>G, p.Leu44Val (NM_001033857.3, NM_001033858.3, NM_001289077.2 and 2 more transcripts); c.145T>G, p.Leu49Val (NM_001289076.2, NM_001289078.2, NM_001350966.2 and 1 more transcripts); c.490T>G, p.Leu164Val (NM_001350965.2); short protein forms L49V, L44V, L164V.
Identifiers: ClinVar variation 666119 (VCV000666119.8), dbSNP rs1279014555, ClinGen allele CA376059956.